The following is an entry in ClinVar:

ClinVar aggregate classification (germline): Uncertain significance (1 of 4 stars; one submission).

Conditions:
Hereditary cancer-predisposing syndrome. Also called: Hereditary Cancer Syndrome; Hereditary neoplastic syndrome; Tumor predisposition; Neoplastic Syndromes, Hereditary. Identifiers: Orphanet 140162, MedGen C0027672, MeSH D009386, MONDO:0015356.

Submission:

Ambry Genetics
Classification: Uncertain significance for Hereditary cancer-predisposing syndrome. Last evaluated: 2024-10-29. Review status: criteria provided, single submitter. Criteria: Ambry Variant Classification Scheme 2023. Collection method: clinical testing. Allele origin: germline.
Comment: The p.A173D variant (also known as c.518C>A), located in coding exon 1 of the HOXB13 gene, results from a C to A substitution at nucleotide position 518. The alanine at codon 173 is replaced by aspartic acid, an amino acid with dissimilar properties. This amino acid position is conserved. In addition, the in silico prediction for this alteration is inconclusive. Based on the available evidence, the clinical significance of this variant remains unclear.

NM_006361.6(HOXB13):c.518C>A (p.Ala173Asp)

Gene: HOXB13 (homeobox B13; minus strand). Cytogenetic location: 17q21.32.
Variant type: single nucleotide variant.
Coding change: c.518C>A on transcript NM_006361.6 (MANE Select); coding-DNA position 518, C replaced by A.
Protein change: p.Ala173Asp; replaces alanine 173 with aspartic acid.
Molecular consequence: missense variant.
Genome position (GRCh38, 1-based): chr17:48,728,076, G>T on the plus strand (C>A on the coding strand, the complement: HOXB13 is on the minus strand). VCF-style: chr17-48728076-G-T. GRCh37 (hg19) VCF-style: chr17-46805438-G-T.
Other names: short protein forms A173D.
Identifiers: ClinVar variation 3526301 (VCV003526301.1).